The following is an entry in ClinVar:

NM_000088.4(COL1A1):c.3504C>T (p.Arg1168=)

Gene: COL1A1 (collagen type I alpha 1 chain; minus strand). Cytogenetic location: 17q21.33.
Variant type: single nucleotide variant.
Coding change: c.3504C>T on transcript NM_000088.4 (MANE Select); coding-DNA position 3504, C replaced by T.
Protein change: p.Arg1168=; no amino-acid change (arginine 1168 retained).
Molecular consequence: synonymous variant.
Genome position (GRCh38, 1-based): chr17:50,187,042, G>A on the plus strand (C>T on the coding strand, the complement: COL1A1 is on the minus strand). VCF-style: chr17-50187042-G-A. GRCh37 (hg19) VCF-style: chr17-48264403-G-A.
Identifiers: ClinVar variation 509902 (VCV000509902.21), dbSNP rs370529603, ClinGen allele CA8644426.

ClinVar aggregate classification (germline): Benign/Likely benign. Review status: criteria provided, multiple submitters, no conflicts (2 of 4 stars). 10 submissions from 9 submitters: Benign (1); Likely benign (6). 3 of the submissions do not count toward it. Last evaluated 2026-03-27.

Conditions:
Osteogenesis imperfecta type I (OI1). Also called: OSTEOGENESIS IMPERFECTA WITH BLUE SCLERAE; Osteogenesis imperfecta type 1; Lobstein's Disease; OI, TYPE I; OSTEOGENESIS IMPERFECTA TARDA; Classic Non-deforming Osteogenesis Imperfecta with Blue Sclerae. Identifiers: Orphanet 216796, Orphanet 666, MedGen C0023931, MONDO:0008146, OMIM 166200. Disease mechanism: loss of function.
Osteogenesis imperfecta (OI). Identifiers: Orphanet 666, MedGen C0029434, MeSH D010013, MONDO:0019019.
Ehlers-Danlos syndrome (EDS). Identifiers: Orphanet 98249, MedGen C0013720, MONDO:0020066.
COL1A1-related disorder. Also called: COL1A1- related disease; COL1A1-related condition.
Cardiovascular phenotype. Identifiers: MedGen CN230736.

Allele frequency attached by ClinVar (database versions not stated): gnomAD 0.00001; TOPMed 0.00002; ExAC 0.00006; ESP Exome Variant Server 0.00008.
gnomAD v4.1: 35 of 1,613,634 alleles (0.0022%); highest among the groups gnomAD compares: Admixed American, 0.005%; no homozygotes.

Submissions (10):

Molecular Diagnostic Laboratory for Inherited Cardiovascular Disease, Montreal Heart Institute
Classification: Likely benign. Last evaluated: 2026-03-27. Review status: criteria provided, single submitter. Criteria: ACMG Guidelines, 2015. Collection method: clinical testing. Allele origin: germline. Affected: no.
Comment: BS1;BP7

Labcorp Genetics (formerly Invitae), Labcorp
Classification: Likely benign for Osteogenesis imperfecta type I. Last evaluated: 2025-09-15. Review status: criteria provided, single submitter. Criteria: Invitae Variant Classification Sherloc (09022015). Collection method: clinical testing. Allele origin: germline.

Women's Health and Genetics/Laboratory Corporation of America, LabCorp
Classification: Benign. Last evaluated: 2025-05-05. Review status: criteria provided, single submitter. Criteria: LabCorp Variant Classification Summary - May 2015. Collection method: clinical testing. Allele origin: germline.

Ambry Genetics
Classification: Likely benign for Cardiovascular phenotype. Last evaluated: 2021-08-22. Review status: criteria provided, single submitter. Criteria: Ambry Variant Classification Scheme 2023. Collection method: clinical testing. Allele origin: germline.

Genome Diagnostics Laboratory, The Hospital for Sick Children
Classification: Likely benign for Osteogenesis imperfecta. Last evaluated: 2021-04-15. Review status: criteria provided, single submitter. Criteria: ACMG Guidelines, 2015. Collection method: clinical testing. Allele origin: germline.

Genome Diagnostics Laboratory, The Hospital for Sick Children
Classification: Likely benign for Ehlers-Danlos syndrome. Last evaluated: 2021-04-15. Review status: criteria provided, single submitter. Criteria: ACMG Guidelines, 2015. Collection method: clinical testing. Allele origin: germline.

GeneDx
Classification: Likely benign. Last evaluated: 2017-06-14. Review status: criteria provided, single submitter. Criteria: GeneDx Variant Classification (06012015). Collection method: clinical testing. Allele origin: germline. Affected: yes.
Comment: This variant is considered likely benign or benign based on one or more of the following criteria: it is a conservative change, it occurs at a poorly conserved position in the protein, it is predicted to be benign by multiple in silico algorithms, and/or has population frequency not consistent with disease.

PreventionGenetics, part of Exact Sciences
Classification: Likely benign for COL1A1-related condition. Last evaluated: 2019-08-28. Review status: no assertion criteria provided. Collection method: clinical testing. Allele origin: germline. Not counted in ClinVar's aggregate classification.
Comment: This variant is classified as likely benign based on ACMG/AMP sequence variant interpretation guidelines (Richards et al. 2015 PMID: 25741868, with internal and published modifications).

Clinical Genetics DNA and cytogenetics Diagnostics Lab, Erasmus MC, Erasmus Medical Center
Classification: Likely benign. Review status: no assertion criteria provided. Collection method: clinical testing. Allele origin: germline. Affected: yes. Study: VKGL Data-share Consensus. Not counted in ClinVar's aggregate classification.

Genome Diagnostics Laboratory, Amsterdam University Medical Center
Classification: Likely benign. Review status: no assertion criteria provided. Collection method: clinical testing. Allele origin: germline. Affected: yes. Study: VKGL Data-share Consensus. Not counted in ClinVar's aggregate classification.